The following is an entry in ClinVar:

ClinVar aggregate classification (germline): Benign (1 of 4 stars; one submission).

Allele frequency attached by ClinVar (database versions not stated): 1000 Genomes Project 0.04912; 1000 Genomes Project 30x 0.05262; TOPMed 0.06653; gnomAD 0.07022 and 0.07317.

Submission:

GeneDx
Classification: Benign. Last evaluated: 2018-06-14. Review status: criteria provided, single submitter. Criteria: GeneDx Variant Classification (06012015). Collection method: clinical testing. Allele origin: germline. Affected: yes.
Comment: This variant is considered likely benign or benign based on one or more of the following criteria: it is a conservative change, it occurs at a poorly conserved position in the protein, it is predicted to be benign by multiple in silico algorithms, and/or has population frequency not consistent with disease.

NM_001844.5(COL2A1):c.2734-248G>A

Gene: COL2A1 (collagen type II alpha 1 chain; minus strand). Cytogenetic location: 12q13.11.
Variant type: single nucleotide variant.
Coding change: c.2734-248G>A on transcript NM_001844.5 (MANE Select); 248 bases into the intron before coding-DNA position 2734, G replaced by A.
Molecular consequence: intron variant.
Genome position (GRCh38, 1-based): chr12:47,979,006, C>T on the plus strand (G>A on the coding strand, the complement: COL2A1 is on the minus strand). VCF-style: chr12-47979006-C-T. GRCh37 (hg19) VCF-style: chr12-48372789-C-T.
Other names: c.2527-248G>A (NM_033150.3).
Identifiers: ClinVar variation 677909 (VCV000677909.1), dbSNP rs73297161, ClinGen allele CA236522174.
Genomic context (GRCh38, chr12:47,979,006, plus strand): 5'-GCTCTGGGCAGACAGCCCCAACTTCTCCAGCTCCTGCTTGCTTTGCTTTCTCCCATCTAC[C>T]TGGAATCTCTCCTCCCTCCTCCCTTTGTCCTCAATCCCCCTTCCTCAGGAGCCGCTCCAG-3'